The following is an entry in ClinVar:

ClinVar aggregate classification (germline): Uncertain significance (1 of 4 stars; one submission).

Conditions:
Hereditary cancer-predisposing syndrome. Also called: Hereditary neoplastic syndrome; Hereditary Cancer Syndrome; Tumor predisposition; Neoplastic Syndromes, Hereditary. Identifiers: Orphanet 140162, MedGen C0027672, MeSH D009386, MONDO:0015356.

Allele frequency attached by ClinVar (database versions not stated): gnomAD exomes below 0.00001.
gnomAD v4.1: 2 of 1,605,318 alleles (0.00012%); highest among the groups gnomAD compares: Non-Finnish European, 0.00017%; no homozygotes.

Submission:

Ambry Genetics
Classification: Uncertain significance for Hereditary cancer-predisposing syndrome. Last evaluated: 2021-12-01. Review status: criteria provided, single submitter. Criteria: Ambry General Variant Classification Scheme_2022. Collection method: clinical testing. Allele origin: germline. Observed: 1 variant allele.
Comment: The p.A117T variant (also known as c.349G>A), located in coding exon 2 of the CDKN2A (p14ARF) gene, results from a G to A substitution at nucleotide position 349. The alanine at codon 117 is replaced by threonine, an amino acid with similar properties. This amino acid position is well conserved in available vertebrate species. In addition, this alteration is predicted to be tolerated by in silico analysis. Since supporting evidence is limited at this time, the clinical significance of this alteration remains unclear.

NM_000077.5(CDKN2A):c.306G>A (p.Ala102=)

Gene: CDKN2A (cyclin dependent kinase inhibitor 2A; minus strand). Cytogenetic location: 9p21.3.
Variant type: single nucleotide variant.
Coding change: c.306G>A on transcript NM_000077.5; coding-DNA position 306, G replaced by A.
Protein change: p.Ala102=; no amino-acid change (alanine 102 retained).
Molecular consequence: synonymous variant (on NM_000077.6). On other transcripts: missense variant (1), 3 prime UTR variant (1).
Genome position (GRCh38, 1-based): chr9:21,971,053, C>T on the plus strand (G>A on the coding strand, the complement: CDKN2A is on the minus strand). VCF-style: chr9-21971053-C-T. GRCh37 (hg19) VCF-style: chr9-21971052-C-T.
Other names: c.306G>A, p.Ala102= (NM_000077.6, NM_001195132.2); c.153G>A, p.Ala51= (NM_001363763.2); c.349G>A, p.Ala117Thr (NM_058195.4); c.*229G>A (NM_058197.5); short protein forms A117T.
Identifiers: ClinVar variation 1732029 (VCV001732029.1), dbSNP rs1064794863, ClinGen allele CA373086098.